The following is an entry in ClinVar:

NM_032638.5(GATA2):c.101T>C (p.Met34Thr)

Gene: GATA2 (GATA binding protein 2; minus strand). Cytogenetic location: 3q21.3.
Variant type: single nucleotide variant.
Coding change: c.101T>C on transcript NM_032638.5 (MANE Select); coding-DNA position 101, T replaced by C.
Protein change: p.Met34Thr; replaces methionine 34 with threonine.
Molecular consequence: missense variant.
Genome position (GRCh38, 1-based): chr3:128,486,931, A>G on the plus strand (T>C on the coding strand, the complement: GATA2 is on the minus strand). VCF-style: chr3-128486931-A-G. GRCh37 (hg19) VCF-style: chr3-128205774-A-G.
Other names: c.101T>C, p.Met34Thr (NM_001145661.2, NM_001145662.1); c.101T>C (NM_001145661.1); short protein forms M34T.
Identifiers: ClinVar variation 652642 (VCV000652642.9), dbSNP rs1576749857, ClinGen allele CA354408889.

ClinVar aggregate classification (germline): Uncertain significance. Review status: criteria provided, multiple submitters, no conflicts (2 of 4 stars). 2 submissions from 2 submitters: Uncertain significance (2). Last evaluated 2026-07-07.

Conditions:
Inborn genetic diseases. Identifiers: MedGen C0950123, MeSH D030342.
Deafness-lymphedema-leukemia syndrome. Also called: Lymphedema, primary, with myelodysplasia; Emberger syndrome. Identifiers: Orphanet 3226, MedGen C3279664, MONDO:0013540, OMIM 614038.
Monocytopenia with susceptibility to infections. Also called: MONOCYTOPENIA AND MYCOBACTERIAL INFECTION SYNDROME; MONOCYTOPENIA WITH SUSCEPTIBILITY TO MYCOBACTERIAL, FUNGAL, AND PAPILLOMAVIRUS INFECTIONS AND MYELODYSPLASIA; COMBINED IMMUNODEFICIENCY WITH SUSCEPTIBILITY TO MYCOBACTERIAL, VIRAL, AND FUNGAL INFECTIONS; Dendritic cell, monocyte, B lymphocyte, and natural killer lymphocyte deficiency; GATA2 DEFICIENCY; IMMUNODEFICIENCY 21. Identifiers: Orphanet 228423, MedGen C3280030, MONDO:0013607, OMIM 614172.

Submissions (2):

Ambry Genetics
Classification: Uncertain significance for Inborn genetic diseases. Last evaluated: 2026-07-07. Review status: criteria provided, single submitter. Criteria: Ambry Variant Classification Scheme 2023. Collection method: clinical testing. Allele origin: germline.
Comment: The p.M34T variant (also known as c.101T>C), located in coding exon 1 of the GATA2 gene, results from a T to C substitution at nucleotide position 101. The methionine at codon 34 is replaced by threonine, an amino acid with similar properties. This amino acid position is conserved. In addition, this alteration is predicted to be deleterious by in silico analysis. Based on the available evidence, the clinical significance of this variant remains unclear.

Labcorp Genetics (formerly Invitae), Labcorp
Classification: Uncertain significance for Monocytopenia with susceptibility to infections; Deafness-lymphedema-leukemia syndrome. Last evaluated: 2018-07-08. Review status: criteria provided, single submitter. Criteria: Invitae Variant Classification Sherloc (09022015). Collection method: clinical testing. Allele origin: germline.
Comment: In summary, the available evidence is currently insufficient to determine the role of this variant in disease. Therefore, it has been classified as a Variant of Uncertain Significance. Algorithms developed to predict the effect of missense changes on protein structure and function are either unavailable or do not agree on the potential impact of this missense change (SIFT: "Tolerated"; PolyPhen-2: "Possibly Damaging"; Align-GVGD: "Class C0"). This variant has not been reported in the literature in individuals with GATA2-related disease. This variant is not present in population databases (ExAC no frequency). This sequence change replaces methionine with threonine at codon 34 of the GATA2 protein (p.Met34Thr). The methionine residue is moderately conserved and there is a moderate physicochemical difference between methionine and threonine.